The following is an entry in ClinVar:

ClinVar aggregate classification (germline): Uncertain significance. Review status: criteria provided, multiple submitters, no conflicts (2 of 4 stars). 3 submissions from 3 submitters: Uncertain significance (3). Last evaluated 2025-10-01.

Conditions:
RPE65-related disorder. Also called: RPE65-related disorders; RPE65-related condition. Identifiers: MedGen CN239301.
Inborn genetic diseases. Identifiers: MedGen C0950123, MeSH D030342.
Retinitis pigmentosa 20 (RP20). Identifiers: Orphanet 791, MedGen C3151086, MONDO:0013425, OMIM 613794.
Leber congenital amaurosis 2 (LCA2). Also called: Autosomal Recessive RPE65-Related Retinal Degeneration; AMAUROSIS CONGENITA OF LEBER II. Identifiers: Orphanet 65, MedGen C1859844, MONDO:0008765, OMIM 204100. Disease mechanism: loss of function.

Allele frequency attached by ClinVar (database versions not stated): ExAC 0.00001; TOPMed 0.00002; gnomAD 0.00003; 1000 Genomes Project 30x 0.00031.
gnomAD v4.1: 5 of 1,613,966 alleles (0.00031%); highest among the groups gnomAD compares: African/African-American, 0.0067%; no homozygotes.

Submissions (3):

Labcorp Genetics (formerly Invitae), Labcorp
Classification: Uncertain significance for Leber congenital amaurosis 2; Retinitis pigmentosa 20. Last evaluated: 2025-10-01. Review status: criteria provided, single submitter. Criteria: Invitae Variant Classification Sherloc (09022015). Collection method: clinical testing. Allele origin: germline.
Comment: This sequence change replaces glycine, which is neutral and non-polar, with serine, which is neutral and polar, at codon 193 of the RPE65 protein (p.Gly193Ser). This variant is present in population databases (rs776433230, gnomAD 0.008%). This variant has not been reported in the literature in individuals affected with RPE65-related conditions. ClinVar contains an entry for this variant (Variation ID: 2234932). Invitae Evidence Modeling of protein sequence and biophysical properties (such as structural, functional, and spatial information, amino acid conservation, physicochemical variation, residue mobility, and thermodynamic stability) indicates that this missense variant is not expected to disrupt RPE65 protein function with a negative predictive value of 80%. In summary, the available evidence is currently insufficient to determine the role of this variant in disease. Therefore, it has been classified as a Variant of Uncertain Significance.

PreventionGenetics, part of Exact Sciences
Classification: Uncertain significance for RPE65-related condition. Last evaluated: 2024-12-30. Review status: criteria provided, single submitter. Criteria: ACMG Guidelines, 2015. Collection method: clinical testing. Allele origin: germline.
Comment: The RPE65 c.577G>A variant is predicted to result in the amino acid substitution p.Gly193Ser. To our knowledge, this variant has not been reported in the literature. This variant is reported in 0.0080% of alleles in individuals of African descent in gnomAD. At this time, the clinical significance of this variant is uncertain due to the absence of conclusive functional and genetic evidence.

Ambry Genetics
Classification: Uncertain significance for Inborn genetic diseases. Last evaluated: 2021-07-06. Review status: criteria provided, single submitter. Criteria: Ambry Variant Classification Scheme 2023. Collection method: clinical testing. Allele origin: germline.

NM_000329.3(RPE65):c.577G>A (p.Gly193Ser)

Gene: RPE65 (retinoid isomerohydrolase RPE65; minus strand). Cytogenetic location: 1p31.3.
Variant type: single nucleotide variant.
Coding change: c.577G>A on transcript NM_000329.3 (MANE Select); coding-DNA position 577, G replaced by A.
Protein change: p.Gly193Ser; replaces glycine 193 with serine.
Molecular consequence: missense variant.
Genome position (GRCh38, 1-based): chr1:68,440,919, C>T on the plus strand (G>A on the coding strand, the complement: RPE65 is on the minus strand). VCF-style: chr1-68440919-C-T. GRCh37 (hg19) VCF-style: chr1-68906602-C-T.
Other names: c.469G>A, p.Gly157Ser (NM_001406853.1); c.301G>A, p.Gly101Ser (NM_001406856.1, NM_001406857.1); c.577G>A, p.Gly193Ser (NM_001406859.1); short protein forms G193S, G157S, G101S.
Identifiers: ClinVar variation 2234932 (VCV002234932.4), dbSNP rs776433230, ClinGen allele CA902462.